The following is an entry in ClinVar:

NM_001355436.2(SPTB):c.3590del (p.Pro1197fs)

Gene: SPTB (spectrin beta, erythrocytic; minus strand). Cytogenetic location: 14q23.3.
Variant type: Deletion.
Coding change: c.3590del on transcript NM_001355436.2 (MANE Select); coding-DNA position 3590, one base deleted (C; older notation c.3590delC).
Protein change: p.Pro1197fs; shifts the reading frame from proline 1197.
Molecular consequence: frameshift variant.
Genome position (GRCh38, 1-based): chr14:64,785,923, G deleted on the plus strand (C on the coding strand, the reverse complement: SPTB is on the minus strand); the first of 5 consecutive G bases (chr14:64,785,923-64,785,927); deleting any one gives the same sequence. VCF-style (leftmost placement, unchanged base first): chr14-64785922-TG-T. GRCh37 (hg19) VCF-style: chr14-65252640-TG-T.
Other names: c.3590del, p.Pro1197fs (NM_001024858.4, NM_001355437.2); short protein forms P1197fs.
Identifiers: ClinVar variation 2635219 (VCV002635219.2), dbSNP rs2503123019, ClinGen allele CA2695199826.

ClinVar aggregate classification (germline): Pathogenic/Likely pathogenic. Review status: criteria provided, multiple submitters, no conflicts (2 of 4 stars). 2 submissions from 2 submitters: Pathogenic (1); Likely pathogenic (1). Last evaluated 2023-11-10.

Conditions:
SPTB-related disorder. Also called: SPTB-related condition; SPTB-Related Disorders.

Submissions (2):

Revvity Omics, Revvity
Classification: Likely pathogenic. Last evaluated: 2023-11-10. Review status: criteria provided, single submitter. Criteria: ACMG Guidelines, 2015. Collection method: clinical testing. Allele origin: germline.

PreventionGenetics, part of Exact Sciences
Classification: Pathogenic for SPTB-related condition. Last evaluated: 2022-11-10. Review status: criteria provided, single submitter. Criteria: ACMG Guidelines, 2015. Collection method: clinical testing. Allele origin: germline.
Comment: The SPTB c.3590delC variant is predicted to result in a frameshift and premature protein termination (p.Pro1197Glnfs*29). To our knowledge, this variant has not been reported in the literature or in a large population database, indicating this variant is rare. Frameshift variants in SPTB are expected to be pathogenic. This variant is interpreted as pathogenic.